The following is an entry in ClinVar:

NM_197968.4(ZMYM2):c.337del (p.Ser112_Val113insTer)

Gene: ZMYM2 (zinc finger MYM-type containing 2; plus strand). Cytogenetic location: 13q12.11.
Variant type: Deletion.
Coding change: c.337del on transcript NM_197968.4 (MANE Select); coding-DNA position 337, one base deleted (G; older notation c.337delG).
Protein change: p.Ser112_Val113insTer.
Molecular consequence: nonsense. On other transcripts: non-coding transcript variant (1).
Genome position (GRCh38, 1-based): chr13:19,993,409, G deleted. VCF-style (leftmost placement, unchanged base first): chr13-19993408-TG-T. GRCh37 (hg19) VCF-style: chr13-20567548-TG-T.
Other names: c.337del, p.Ser112_Val113insTer (NM_001190964.4, NM_001190965.4, NM_001353157.2 and 6 more transcripts); c.403del, p.Ser134_Val135insTer (NM_001353161.3).
Identifiers: ClinVar variation 1710427 (VCV001710427.3), dbSNP rs2501893676, ClinGen allele CA2580086778.

ClinVar aggregate classification (germline): Likely pathogenic (1 of 4 stars; one submission).

Conditions:
Neurodevelopmental-craniofacial syndrome with variable renal and cardiac abnormalities. Identifiers: MedGen C5561984, MONDO:0859190, OMIM 619522.

Submission:

Greenwood Genetic Center Diagnostic Laboratories, Greenwood Genetic Center
Classification: Likely pathogenic for Neurodevelopmental-craniofacial syndrome with variable renal and cardiac abnormalities. Last evaluated: 2022-09-29. Review status: criteria provided, single submitter. Criteria: ACMG Guidelines, 2015. Collection method: clinical testing. Allele origin: germline. Affected: yes.
Comment: PVS1_Strong, PM2